The following is an entry in ClinVar:

NM_001080467.3(MYO5B):c.4210_4211dup (p.Asn1404fs)

Gene: MYO5B (myosin VB; minus strand). Cytogenetic location: 18q21.1.
Variant type: Duplication.
Coding change: c.4210_4211dup on transcript NM_001080467.3 (MANE Select); coding-DNA positions 4210 to 4211, 2 bases duplicated (AA; older notation c.4210_4211dupAA).
Protein change: p.Asn1404fs; shifts the reading frame from asparagine 1404.
Molecular consequence: frameshift variant.
Genome position (GRCh38, 1-based): chr18:49,853,459-49,853,460, TT duplicated on the plus strand (AA on the coding strand, the reverse complement: MYO5B is on the minus strand). VCF-style (leftmost placement, unchanged base first): chr18-49853458-G-GTT. GRCh37 (hg19) VCF-style: chr18-47379828-G-GTT.
Other names: short protein forms N1404fs.
Identifiers: ClinVar variation 3656533 (VCV003656533.2).

ClinVar aggregate classification (germline): Pathogenic (1 of 4 stars; one submission).

Submission:

Labcorp Genetics (formerly Invitae), Labcorp
Classification: Pathogenic. Last evaluated: 2024-06-13. Review status: criteria provided, single submitter. Criteria: Invitae Variant Classification Sherloc (09022015). Collection method: clinical testing. Allele origin: germline.
Comment: This sequence change creates a premature translational stop signal (p.Asn1404Lysfs*11) in the MYO5B gene. It is expected to result in an absent or disrupted protein product. Loss-of-function variants in MYO5B are known to be pathogenic (PMID: 18724368, 20186687). This variant is not present in population databases (gnomAD no frequency). This variant has not been reported in the literature in individuals affected with MYO5B-related conditions. For these reasons, this variant has been classified as Pathogenic.

Literature cited by the submitters: PubMed 18724368; PubMed 20186687.